The following is an entry in ClinVar:

ClinVar aggregate classification (germline): Uncertain significance. Review status: criteria provided, multiple submitters, no conflicts (2 of 4 stars). 2 submissions from 2 submitters: Uncertain significance (2). Last evaluated 2026-07-05.

Conditions:
Inborn genetic diseases. Identifiers: MedGen C0950123, MeSH D030342.

Submissions (2):

Ambry Genetics
Classification: Uncertain significance for Inborn genetic diseases. Last evaluated: 2026-07-05. Review status: criteria provided, single submitter. Criteria: Ambry Variant Classification Scheme 2023. Collection method: clinical testing. Allele origin: germline.
Comment: The p.V1518L variant (also known as c.4552G>C), located in coding exon 1 of the SAMD9L gene, results from a G to C substitution at nucleotide position 4552. The valine at codon 1518 is replaced by leucine, an amino acid with highly similar properties. This amino acid position is conserved. In addition, this alteration is predicted to be tolerated by in silico analysis. Based on the available evidence, the clinical significance of this variant remains unclear.

GeneDx
Classification: Uncertain significance. Last evaluated: 2023-05-19. Review status: criteria provided, single submitter. Criteria: GeneDx Variant Classification Process June 2021. Collection method: clinical testing. Allele origin: germline. Affected: yes.
Comment: Not observed at significant frequency in large population cohorts (gnomAD); In silico analysis supports that this missense variant does not alter protein structure/function; Has not been previously published as pathogenic or benign to our knowledge; This variant is associated with the following publications: (PMID: 28545555)

NM_152703.5(SAMD9L):c.4552G>C (p.Val1518Leu)

Gene: SAMD9L (sterile alpha motif domain containing 9 like; minus strand). Cytogenetic location: 7q21.2.
Variant type: single nucleotide variant.
Coding change: c.4552G>C on transcript NM_152703.5 (MANE Select); coding-DNA position 4552, G replaced by C.
Protein change: p.Val1518Leu; replaces valine 1518 with leucine.
Molecular consequence: missense variant.
Genome position (GRCh38, 1-based): chr7:93,131,420, C>G on the plus strand (G>C on the coding strand, the complement: SAMD9L is on the minus strand). VCF-style: chr7-93131420-C-G. GRCh37 (hg19) VCF-style: chr7-92760733-C-G.
Other names: c.4552G>C, p.Val1518Leu (NM_001350082.2, NM_001350083.2, NM_001350084.2 and 5 more transcripts); c.4552G>C (NM_152703.2); short protein forms V1518L.
Identifiers: ClinVar variation 3343723 (VCV003343723.2).